The following is an entry in ClinVar:

NM_002161.6(IARS1):c.419G>A (p.Arg140Gln)

Gene: IARS1 (isoleucyl-tRNA synthetase 1; minus strand). Cytogenetic location: 9q22.31.
Variant type: single nucleotide variant.
Coding change: c.419G>A on transcript NM_002161.6 (MANE Select); coding-DNA position 419, G replaced by A.
Protein change: p.Arg140Gln; replaces arginine 140 with glutamine.
Molecular consequence: missense variant. On other transcripts: non-coding transcript variant (1).
Genome position (GRCh38, 1-based): chr9:92,286,596, C>T on the plus strand (G>A on the coding strand, the complement: IARS1 is on the minus strand). VCF-style: chr9-92286596-C-T. GRCh37 (hg19) VCF-style: chr9-95048878-C-T.
Other names: c.419G>A, p.Arg140Gln (NM_001374299.1, NM_001374300.1, NM_001374301.1 and 15 more transcripts); c.482G>A, p.Arg161Gln (NM_001378569.1); c.296G>A, p.Arg99Gln (NM_001378583.1); c.419G>A (NM_002161.5); short protein forms R140Q, R161Q, R99Q.
Identifiers: ClinVar variation 1033900 (VCV001033900.5), dbSNP rs747654531, ClinGen allele CA5122964.
Genomic context (GRCh38, chr9:92,286,596, plus strand): 5'-CAGACTGATTCCATGAATTGTGGATACAGAGTTTTATAGTCATTGTCAAAGTCAATCCAT[C>T]GGCCAAGTCTGCTAACAGTAGACTTTAAAATATTAATATTAGAACAGTATTAGACAATGA-3'
Protein context (NP_002152.2, residues 130-150): EWKSTVSRLG[Arg140Gln]WIDFDNDYKT

ClinVar aggregate classification (germline): Uncertain significance. Review status: criteria provided, multiple submitters, no conflicts (2 of 4 stars). 2 submissions from 2 submitters: Uncertain significance (2). Last evaluated 2022-11-18.

Conditions:
Growth retardation, intellectual developmental disorder, hypotonia, and hepatopathy (GRIDHH). Also called: GROWTH RETARDATION, IMPAIRED INTELLECTUAL DEVELOPMENT, HYPOTONIA, AND HEPATOPATHY. Identifiers: Orphanet 541423, MedGen C4310720, MONDO:0014911, OMIM 617093.

Allele frequency attached by ClinVar (database versions not stated): gnomAD exomes 0.00001; TOPMed 0.00001; ExAC 0.00002; gnomAD 0.00002 and 0.00003.

Submissions (2):

Greenwood Genetic Center Diagnostic Laboratories, Greenwood Genetic Center
Classification: Uncertain significance. Last evaluated: 2022-11-18. Review status: criteria provided, single submitter. Criteria: ACMG Guidelines, 2015. Collection method: clinical testing. Allele origin: germline. Affected: yes.
Comment: PM2, PM3_Supporting, PP3

Baylor Genetics
Classification: Uncertain significance for Growth retardation, intellectual developmental disorder, hypotonia, and hepatopathy. Last evaluated: 2018-09-25. Review status: criteria provided, single submitter. Criteria: ACMG Guidelines, 2015. Collection method: clinical testing. Allele origin: paternal. Affected: yes.
Comment: This variant was determined to be of uncertain significance according to ACMG Guidelines, 2015 [PMID:25741868].